The following is an entry in ClinVar:

ClinVar aggregate classification (germline): Pathogenic (1 of 4 stars; one submission).

Conditions:
Primary ciliary dyskinesia 3. Identifiers: Orphanet 244, MedGen C1837618, MONDO:0012085, OMIM 608644.

Submission:

Myriad Genetics, Inc.
Classification: Pathogenic for Primary ciliary dyskinesia 3. Last evaluated: 2024-05-14. Review status: criteria provided, single submitter. Criteria: Myriad Autosomal Dominant, Autosomal Recessive and X-Linked Classification Criteria (2023). Collection method: clinical testing. Allele origin: unknown.
Comment: NM_001369.2(DNAH5):c.12782_12786del5ins4(K4261Rfs*4) is expected to be pathogenic in the context of primary ciliary dyskinesia, DNAH5-related. This variant is predicted to lead to an abnormal or absent protein product due to the creation of a premature termination codon in DNAH5, a gene where loss-of-function variants are known to be pathogenic. Please note: this variant was assessed in the context of healthy population screening.

NM_001369.3(DNAH5):c.12782_12786delinsGAGT (p.Lys4261fs)

Gene: DNAH5 (dynein axonemal heavy chain 5; minus strand). Cytogenetic location: 5p15.2.
Variant type: Indel.
Coding change: c.12782_12786delinsGAGT on transcript NM_001369.3 (MANE Select); coding-DNA positions 12782 to 12786, AGAGA replaced by GAGT.
Protein change: p.Lys4261fs; shifts the reading frame from lysine 4261.
Molecular consequence: frameshift variant.
Genome position (GRCh38, 1-based): chr5:13,716,610-13,716,614, TCTCT replaced by ACTC on the plus strand (AGAGA replaced by GAGT on the coding strand, the reverse complement: DNAH5 is on the minus strand). VCF-style: chr5-13716610-TCTCT-ACTC. GRCh37 (hg19) VCF-style: chr5-13716719-TCTCT-ACTC.
Other names: short protein forms K4261fs.
Identifiers: ClinVar variation 5010604 (VCV005010604.1).